The following is an entry in ClinVar:

NM_001999.4(FBN2):c.3428T>C (p.Phe1143Ser)

Gene: FBN2 (fibrillin 2; minus strand). Cytogenetic location: 5q23.3.
Variant type: single nucleotide variant.
Coding change: c.3428T>C on transcript NM_001999.4 (MANE Select); coding-DNA position 3428, T replaced by C.
Protein change: p.Phe1143Ser; replaces phenylalanine 1143 with serine.
Molecular consequence: missense variant.
Genome position (GRCh38, 1-based): chr5:128,338,977, A>G on the plus strand (T>C on the coding strand, the complement: FBN2 is on the minus strand). VCF-style: chr5-128338977-A-G. GRCh37 (hg19) VCF-style: chr5-127674669-A-G.
Other names: short protein forms F1143S.
Identifiers: ClinVar variation 1027211 (VCV001027211.9), dbSNP rs1750918793, ClinGen allele CA360759910.

ClinVar aggregate classification (germline): Uncertain significance (1 of 4 stars; one submission).

Conditions:
Congenital contractural arachnodactyly (CCA). Also called: BEALS SYNDROME; Beals-Hecht syndrome; Arthrogryposis, distal, type 9. Identifiers: Orphanet 115, MedGen C0220668, MONDO:0007363, OMIM 121050.

Submission:

Labcorp Genetics (formerly Invitae), Labcorp
Classification: Uncertain significance for Congenital contractural arachnodactyly. Last evaluated: 2022-03-18. Review status: criteria provided, single submitter. Criteria: Invitae Variant Classification Sherloc (09022015). Collection method: clinical testing. Allele origin: germline.
Comment: In summary, the available evidence is currently insufficient to determine the role of this variant in disease. Therefore, it has been classified as a Variant of Uncertain Significance. Advanced modeling of protein sequence and biophysical properties (such as structural, functional, and spatial information, amino acid conservation, physicochemical variation, residue mobility, and thermodynamic stability) performed at Invitae indicates that this missense variant is not expected to disrupt FBN2 protein function. ClinVar contains an entry for this variant (Variation ID: 1027211). This variant has not been reported in the literature in individuals affected with FBN2-related conditions. This variant is not present in population databases (gnomAD no frequency). This sequence change replaces phenylalanine, which is neutral and non-polar, with serine, which is neutral and polar, at codon 1143 of the FBN2 protein (p.Phe1143Ser).